The following is an entry in ClinVar:

NM_004586.3(RPS6KA3):c.1979T>G (p.Leu660Arg)

Gene: RPS6KA3 (ribosomal protein S6 kinase A3; minus strand). Cytogenetic location: Xp22.12.
Variant type: single nucleotide variant.
Coding change: c.1979T>G on transcript NM_004586.3 (MANE Select); coding-DNA position 1979, T replaced by G.
Protein change: p.Leu660Arg; replaces leucine 660 with arginine.
Molecular consequence: missense variant.
Genome position (GRCh38, 1-based): chrX:20,156,230, A>C on the plus strand (T>G on the coding strand, the complement: RPS6KA3 is on the minus strand). VCF-style: chrX-20156230-A-C. GRCh37 (hg19) VCF-style: chrX-20174348-A-C.
Other names: short protein forms L660R.
Identifiers: ClinVar variation 1315501 (VCV001315501.2), dbSNP rs2148624219, ClinGen allele CA412512853.

ClinVar aggregate classification (germline): Uncertain significance (1 of 4 stars; one submission).

Submission:

GeneDx
Classification: Uncertain significance. Last evaluated: 2021-01-06. Review status: criteria provided, single submitter. Criteria: GeneDx Variant Classification Process June 2021. Collection method: clinical testing. Allele origin: germline. Affected: yes.
Comment: Not observed in large population cohorts (Lek et al., 2016); In silico analysis supports that this missense variant has a deleterious effect on protein structure/function; Has not been previously published as pathogenic or benign to our knowledge